The following is an entry in ClinVar:

ClinVar aggregate classification (germline): Uncertain significance. Review status: criteria provided, multiple submitters, no conflicts (2 of 4 stars). 2 submissions from 2 submitters: Uncertain significance (2). Last evaluated 2025-11-26.

Conditions:
Inborn genetic diseases. Identifiers: MedGen C0950123, MeSH D030342.

Allele frequency attached by ClinVar (database versions not stated): TOPMed 0.00001; gnomAD 0.00001; gnomAD exomes below 0.00001.
gnomAD v4.1: 2 of 1,611,800 alleles (0.00012%); highest among the groups gnomAD compares: African/African-American, 0.0027%; no homozygotes.

Submissions (2):

Ambry Genetics
Classification: Uncertain significance for Inborn genetic diseases. Last evaluated: 2025-11-26. Review status: criteria provided, single submitter. Criteria: Ambry Variant Classification Scheme 2023. Collection method: clinical testing. Allele origin: germline.

Women's Health and Genetics/Laboratory Corporation of America, LabCorp
Classification: Uncertain significance. Last evaluated: 2024-01-25. Review status: criteria provided, single submitter. Criteria: LabCorp Variant Classification Summary - May 2015. Collection method: clinical testing. Allele origin: germline.
Comment: Variant summary: CEP63 c.530T>C (p.Leu177Pro) results in a non-conservative amino acid change located in the centrosomal protein Cep63/Deup1, N-terminal domain (IPR031470) of the encoded protein sequence. Four of five in-silico tools predict a damaging effect of the variant on protein function. The variant was absent in 251340 control chromosomes (gnomAD). The available data on variant occurrences in the general population are insufficient to allow any conclusion about variant significance. To our knowledge, no occurrence of c.530T>C in individuals affected with Seckel Syndrome 6 and no experimental evidence demonstrating its impact on protein function have been reported. No submitters have cited clinical-significance assessments for this variant to ClinVar. Based on the evidence outlined above, the variant was classified as uncertain significance.

NM_001353108.3(CEP63):c.530T>C (p.Leu177Pro)

Gene: CEP63 (centrosomal protein 63; plus strand). Cytogenetic location: 3q22.2.
Variant type: single nucleotide variant.
Coding change: c.530T>C on transcript NM_001353108.3 (MANE Select); coding-DNA position 530, T replaced by C.
Protein change: p.Leu177Pro; replaces leucine 177 with proline.
Molecular consequence: missense variant. On other transcripts: non-coding transcript variant (4).
Genome position (GRCh38, 1-based): chr3:134,537,243, T>C. VCF-style: chr3-134537243-T-C. GRCh37 (hg19) VCF-style: chr3-134256085-T-C.
Other names: c.530T>C, p.Leu177Pro (NM_001353110.1, NM_001353111.2, NM_001353112.2 and 13 more transcripts); c.557T>C, p.Leu186Pro (NM_001353118.1); c.446T>C, p.Leu149Pro (NM_001353125.2); c.167T>C, p.Leu56Pro (NM_001353126.2); c.530T>C (NM_025180.3); short protein forms L149P, L177P, L186P, L56P.
Identifiers: ClinVar variation 3063678 (VCV003063678.2), dbSNP rs1950938804, ClinGen allele CA354624580.
Genomic context (GRCh38, chr3:134,537,243, plus strand): 5'-AGAAGCAACGCTTGATTTATCAGCAACAGGTATCTTCACTGGAGGCACAAAGGAAGGCTC[T>C]GGCTGAACAATCAGAGATAATTCAGGTAGGCCTAAGACTTTTTAAAATAATGAGAAGCAG-3'
Protein context (NP_001340037.1, residues 167-187): VSSLEAQRKA[Leu177Pro]AEQSEIIQAQ